The following is an entry in ClinVar:

NM_003748.4(ALDH4A1):c.*1275A>C

Gene: ALDH4A1 (aldehyde dehydrogenase 4 family member A1; minus strand). Cytogenetic location: 1p36.13.
Variant type: single nucleotide variant.
Coding change: c.*1275A>C on transcript NM_003748.4 (MANE Select); 1275 bases downstream of the stop codon, A replaced by C.
Molecular consequence: 3 prime UTR variant.
Genome position (GRCh38, 1-based): chr1:18,871,570, T>G on the plus strand (A>C on the coding strand, the complement: ALDH4A1 is on the minus strand). VCF-style: chr1-18871570-T-G. GRCh37 (hg19) VCF-style: chr1-19198064-T-G.
Other names: c.*1275A>C (NM_001161504.2, NM_001319218.2); c.*262A>C (NM_170726.3).
Identifiers: ClinVar variation 294333 (VCV000294333.6), dbSNP rs1138333, ClinGen allele CA10609185.

ClinVar aggregate classification (germline): Benign. Review status: criteria provided, multiple submitters, no conflicts (2 of 4 stars). 2 submissions from 2 submitters: Benign (2). Last evaluated 2018-01-13.

Conditions:
Hyperprolinemia type 2 (HYRPRO2). Also called: 1-PYRROLINE-5-CARBOXYLATE DEHYDROGENASE DEFICIENCY; Deficiency of pyrroline-5-carboxylate reductase; Delta-1-pyrroline-5-carboxylate dehydrogenase deficiency. Identifiers: Orphanet 79101, MedGen C2931835, MONDO:0009401, OMIM 239510.

Allele frequency attached by ClinVar (database versions not stated): 1000 Genomes Project 0.17931; 1000 Genomes Project 30x 0.18129; gnomAD 0.24112 and 0.24672; TOPMed 0.24273; gnomAD exomes 0.25417.
gnomAD v4.1: 36,847 of 152,262 alleles (24%); highest among the groups gnomAD compares: Middle Eastern, 31%; 4,711 homozygotes.

Submissions (2):

Illumina Laboratory Services, Illumina
Classification: Benign for Hyperprolinemia type 2. Last evaluated: 2018-01-13. Review status: criteria provided, single submitter. Criteria: ICSL Variant Classification Criteria 13 December 2019. Collection method: clinical testing. Allele origin: germline.
Comment: This variant was observed in the ICSL laboratory as part of a predisposition screen in an ostensibly healthy population. It had not been previously curated by ICSL or reported in the Human Gene Mutation Database (HGMD: prior to June 1st, 2018), and was therefore a candidate for classification through an automated scoring system. Utilizing variant allele frequency, disease prevalence and penetrance estimates, and inheritance mode, an automated score was calculated to assess if this variant is too frequent to cause the disease. Based on the score and internal cut-off values, a variant classified as benign is not then subjected to further curation. The score for this variant resulted in a classification of benign for this disease.

Breakthrough Genomics
Classification: Benign. Review status: criteria provided, single submitter. Criteria: ACMG Guidelines, 2015. Collection method: not provided. Allele origin: germline. Inheritance: Autosomal recessive inheritance. Affected: yes.